The following is an entry in ClinVar:

ClinVar aggregate classification (germline): Uncertain significance. Review status: criteria provided, multiple submitters, no conflicts (2 of 4 stars). 4 submissions from 4 submitters: Uncertain significance (4). Last evaluated 2024-08-28.

Conditions:
Catecholaminergic polymorphic ventricular tachycardia (CVPT). Also called: Catecholamine-induced polymorphic ventricular tachycardia. Identifiers: Orphanet 3286, MedGen C5574922, MONDO:0017990.
Catecholaminergic polymorphic ventricular tachycardia 1. Also called: VENTRICULAR TACHYCARDIA, STRESS-INDUCED POLYMORPHIC 1; VENTRICULAR TACHYCARDIA, CATECHOLAMINERGIC POLYMORPHIC, 1, WITH OR WITHOUT ATRIAL DYSFUNCTION AND/OR DILATED CARDIOMYOPATHY; RYR2-Related Catecholaminergic Polymorphic Ventricular Tachycardia. Identifiers: Orphanet 3286, MedGen C1631597, MONDO:0011484, OMIM 604772.
Cardiomyopathy (CMYO). Also called: Cardiomyopathies. Identifiers: Orphanet 167848, MedGen C0878544, MONDO:0004994, HP:0001638. Inheritance: Various modes of inheritance.

Allele frequency attached by ClinVar (database versions not stated): gnomAD exomes below 0.00001; ExAC 0.00001.
gnomAD v4.1: 6 of 1,613,968 alleles (0.00037%); highest among the groups gnomAD compares: Non-Finnish European, 0.00051%; no homozygotes.

Submissions (4):

Labcorp Genetics (formerly Invitae), Labcorp
Classification: Uncertain significance for Catecholaminergic polymorphic ventricular tachycardia 1. Last evaluated: 2024-08-28. Review status: criteria provided, single submitter. Criteria: Invitae Variant Classification Sherloc (09022015). Collection method: clinical testing. Allele origin: germline.
Comment: This sequence change replaces glutamic acid, which is acidic and polar, with glycine, which is neutral and non-polar, at codon 243 of the RYR2 protein (p.Glu243Gly). This variant is present in population databases (rs753663342, gnomAD 0.0009%). This variant has not been reported in the literature in individuals affected with RYR2-related conditions. ClinVar contains an entry for this variant (Variation ID: 373532). Invitae Evidence Modeling of protein sequence and biophysical properties (such as structural, functional, and spatial information, amino acid conservation, physicochemical variation, residue mobility, and thermodynamic stability) has been performed for this missense variant. However, the output from this modeling did not meet the statistical confidence thresholds required to predict the impact of this variant on RYR2 protein function. In summary, the available evidence is currently insufficient to determine the role of this variant in disease. Therefore, it has been classified as a Variant of Uncertain Significance.

Color Diagnostics, LLC DBA Color Health
Classification: Uncertain significance for Cardiomyopathy. Last evaluated: 2024-03-06. Review status: criteria provided, single submitter. Criteria: ACMG Guidelines, 2015. Collection method: clinical testing. Allele origin: germline.
Comment: This missense variant replaces glutamic acid with glycine at codon 243 of the RYR2 protein. Computational prediction suggests that this variant may have deleterious impact on protein structure and function (internally defined REVEL score threshold >= 0.7, PMID: 27666373). To our knowledge, functional studies have not been reported for this variant. This variant has not been reported in individuals affected with RYR2-related disorders in the literature. This variant has been identified in 1/249096 chromosomes in the general population by the Genome Aggregation Database (gnomAD). The available evidence is insufficient to determine the role of this variant in disease conclusively. Therefore, this variant is classified as a Variant of Uncertain Significance.

All of Us Research Program, National Institutes of Health
Classification: Uncertain significance for Catecholaminergic polymorphic ventricular tachycardia. Last evaluated: 2023-12-18. Review status: criteria provided, single submitter. Criteria: ACMG Guidelines, 2015. Collection method: clinical testing. Allele origin: germline. Inheritance: Autosomal dominant inheritance. Observed: 1 variant allele, 1 heterozygote.
Comment: This missense variant replaces glutamic acid with glycine at codon 243 of the RYR2 protein. Computational prediction suggests that this variant may have deleterious impact on protein structure and function (internally defined REVEL score threshold >= 0.7, PMID: 27666373). To our knowledge, functional studies have not been reported for this variant. This variant has not been reported in individuals affected with cardiovascular disorders in the literature. This variant has been identified in 1/249096 chromosomes in the general population by the Genome Aggregation Database (gnomAD). The available evidence is insufficient to determine the role of this variant in disease conclusively. Therefore, this variant is classified as a Variant of Uncertain Significance.

This study involves interpretation of variants in research participants for the purpose of population health screening. Participant phenotype was not available at the time of variant classification. Additional details can be found in publication PMID: 35346344, PMCID: PMC8962531

GeneDx
Classification: Uncertain significance. Last evaluated: 2016-11-23. Review status: criteria provided, single submitter. Criteria: GeneDx Variant Classification (06012015). Collection method: clinical testing. Allele origin: germline. Affected: yes.
Comment: A variant of uncertain significance has been identified in the RYR2 gene. The E243G variant has not been published as a pathogenic variant, nor has it been reported as a benign variant to our knowledge. The E243G variant was not observed in approximately 6300 individuals of European and African American ancestry in the NHLBI Exome Sequencing Project, indicating it is not a common benign variant in these populations. The E243G variant is a non-conservative amino acid substitution, which is likely to impact secondary protein structure as these residues differ in polarity, charge, size and/or other properties. This substitution occurs at a position that is conserved across species, and in silico analysis predicts this variant is probably damaging to the protein structure/function. Additionally, the G743D variant is located in one of the three hot-spot regions of the RYR2 gene, where the majority of pathogenic missense mutations occur (Medeiros-Domingo et al., 2009). Nevertheless, this variant has not been identified in a significant number of affected individuals, and there are no functional studies or segregation data available to clarify the role of this variant in disease.

NM_001035.3(RYR2):c.728A>G (p.Glu243Gly)

Gene: RYR2 (ryanodine receptor 2; plus strand). Cytogenetic location: 1q43.
Variant type: single nucleotide variant.
Coding change: c.728A>G on transcript NM_001035.3 (MANE Select); coding-DNA position 728, A replaced by G.
Protein change: p.Glu243Gly; replaces glutamic acid 243 with glycine.
Molecular consequence: missense variant.
Genome position (GRCh38, 1-based): chr1:237,388,138, A>G. VCF-style: chr1-237388138-A-G. GRCh37 (hg19) VCF-style: chr1-237551438-A-G.
Other names: c.728A>G, p.Glu243Gly (LRG_402t1); short protein forms E243G.
Identifiers: ClinVar variation 373532 (VCV000373532.12), dbSNP rs753663342, ClinGen allele CA087350.
Genomic context (GRCh38, chr1:237,388,138, plus strand): 5'-TCCTTACAGGGTATCTCATTGGTGGTGATGTCCTCAGGTTGCTGCATGGACACATGGACG[A>G]GTGTCTCACTGTCCCTTCAGGAGAACATGGTGAAGAGCAGCGGAGGTTAGTACCTGAGCT-3'
Protein context (NP_001026.2, residues 233-253): VLRLLHGHMD[Glu243Gly]CLTVPSGEHG